The following is an entry in ClinVar:

ClinVar aggregate classification (germline): Conflicting classifications of pathogenicity. Review status: criteria provided, conflicting classifications (1 of 4 stars). 2 submissions from 2 submitters: Uncertain significance (1); Likely benign (1). Last evaluated 2025-12-14.

Conditions:
Fanconi anemia complementation group J. Also called: BRIP1-Related Fanconi Anemia. Identifiers: Orphanet 84, MedGen C1836860, MONDO:0012187, OMIM 609054.
Familial cancer of breast. Also called: Hereditary breast cancer; BREAST CANCER, FAMILIAL; hereditary breast carcinoma. Identifiers: Orphanet 227535, MedGen C0346153, MONDO:0016419, OMIM 114480. Disease mechanism: loss of function.

Allele frequency attached by ClinVar (database versions not stated): gnomAD 0.00001; gnomAD exomes 0.00001; TOPMed 0.00001.
gnomAD v4.1: 16 of 1,608,988 alleles (0.00099%); highest among the groups gnomAD compares: Non-Finnish European, 0.0013%; no homozygotes.

Submissions (2):

Labcorp Genetics (formerly Invitae), Labcorp
Classification: Likely benign for Familial cancer of breast; Fanconi anemia complementation group J. Last evaluated: 2025-12-14. Review status: criteria provided, single submitter. Criteria: Invitae Variant Classification Sherloc (09022015). Collection method: clinical testing. Allele origin: germline.

GeneDx
Classification: Uncertain significance. Last evaluated: 2016-10-07. Review status: criteria provided, single submitter. Criteria: GeneDx Variant Classification (06012015). Collection method: clinical testing. Allele origin: germline. Affected: yes.
Comment: This variant is denoted BRIP1 c.1628+11A>G or IVS11+11A>G and consists of an A>G nucleotide substitution at the +11 position of intron 11 of the BRIP1 gene. Multiple in silico models predict this variant to create a new cryptic splice donor site and to possibly cause abnormal gene splicing; however, in the absence of RNA or functional studies, the actual effect of this variant is unknown. This variant has not, to our knowledge, been published in the literature as pathogenic or benign. BRIP1 c.1628+11A>G was not observed in approximately 6,500 individuals of European and African American ancestry in the NHLBI Exome Sequencing Project, suggesting it is not a common benign variant in these populations. The adenine (A) nucleotide that is altered is not conserved. Based on currently available information, it is unclear whether BRIP1 c.1628+11A>G is pathogenic or benign. We consider it to be a variant of uncertain significance.

NM_032043.3(BRIP1):c.1628+11A>G

Gene: BRIP1 (BRCA1 interacting DNA helicase 1; minus strand). Cytogenetic location: 17q23.2.
Variant type: single nucleotide variant.
Coding change: c.1628+11A>G on transcript NM_032043.3 (MANE Select); 11 bases into the intron after coding-DNA position 1628, A replaced by G.
Molecular consequence: intron variant.
Genome position (GRCh38, 1-based): chr17:61,784,259, T>C on the plus strand (A>G on the coding strand, the complement: BRIP1 is on the minus strand). VCF-style: chr17-61784259-T-C. GRCh37 (hg19) VCF-style: chr17-59861620-T-C.
Identifiers: ClinVar variation 418827 (VCV000418827.10), dbSNP rs1064793459, ClinGen allele CA16620530.